The following is an entry in ClinVar:

NM_000257.4(MYH7):c.837A>T (p.Ala279=)

Gene: MYH7 (myosin heavy chain 7; minus strand). Cytogenetic location: 14q11.2.
Variant type: single nucleotide variant.
Coding change: c.837A>T on transcript NM_000257.4 (MANE Select); coding-DNA position 837, A replaced by T.
Protein change: p.Ala279=; no amino-acid change (alanine 279 retained).
Molecular consequence: synonymous variant.
Genome position (GRCh38, 1-based): chr14:23,430,959, T>A on the plus strand (A>T on the coding strand, the complement: MYH7 is on the minus strand). VCF-style: chr14-23430959-T-A. GRCh37 (hg19) VCF-style: chr14-23900168-T-A.
Other names: c.837A>T (LRG_384t1).
Identifiers: ClinVar variation 515126 (VCV000515126.8), dbSNP rs925961600, ClinGen allele CA485626204.
Genomic context (GRCh38, chr14:23,430,959, plus strand): 5'-ACCCAGCAGCTCAGGCTTTTTGTTAGACAGGATTTGGTAGAAAATGTGATAATCTCTCTC[T>A]GCTTTCAGCTGGAAAATAACTCTGGATTTTTCCAGAAGATCTGTGAACAGGTGGGGAGAA-3'
Protein context (NP_000248.2, residues 269-289): EKSRVIFQLK[Ala279=]ERDYHIFYQI

ClinVar aggregate classification (germline): Likely benign. Review status: criteria provided, multiple submitters, no conflicts (2 of 4 stars). 2 submissions from 2 submitters: Likely benign (2). Last evaluated 2024-03-12.

Conditions:
Hypertrophic cardiomyopathy. Also called: HYPERTROPHIC MYOCARDIOPATHY. Identifiers: Orphanet 217569, MedGen C0007194, MeSH D002312, MONDO:0005045, HP:0001639.

Submissions (2):

Labcorp Genetics (formerly Invitae), Labcorp
Classification: Likely benign for Hypertrophic cardiomyopathy. Last evaluated: 2024-03-12. Review status: criteria provided, single submitter. Criteria: Invitae Variant Classification Sherloc (09022015). Collection method: clinical testing. Allele origin: germline.

GeneDx
Classification: Likely benign. Last evaluated: 2018-01-26. Review status: criteria provided, single submitter. Criteria: GeneDx Variant Classification (06012015). Collection method: clinical testing. Allele origin: germline. Affected: yes.
Comment: This variant is considered likely benign or benign based on one or more of the following criteria: it is a conservative change, it occurs at a poorly conserved position in the protein, it is predicted to be benign by multiple in silico algorithms, and/or has population frequency not consistent with disease.